The following is an entry in ClinVar:

ClinVar aggregate classification (germline): Uncertain significance. Review status: criteria provided, multiple submitters, no conflicts (2 of 4 stars). 2 submissions from 2 submitters: Uncertain significance (2). Last evaluated 2025-09-22.

Conditions:
Macular corneal dystrophy (MCD). Also called: Macular corneal dystrophy Type I; GROENOUW TYPE II CORNEAL DYSTROPHY. Identifiers: Orphanet 98969, MedGen C1636149, MONDO:0009020, OMIM 217800.

Allele frequency attached by ClinVar (database versions not stated): gnomAD exomes 0.00004 and 0.00009; gnomAD 0.00005; TOPMed 0.00005; ExAC 0.00008.
gnomAD v4.1: 72 of 1,612,778 alleles (0.0045%); highest among the groups gnomAD compares: South Asian, 0.027%; 1 homozygote.

Submissions (2):

Women's Health and Genetics/Laboratory Corporation of America, LabCorp
Classification: Uncertain significance. Last evaluated: 2025-09-22. Review status: criteria provided, single submitter. Criteria: LabCorp Variant Classification Summary - May 2015. Collection method: clinical testing. Allele origin: germline.
Comment: Variant summary: CHST6 c.500C>T (p.Ser167Phe) results in a non-conservative amino acid change in the encoded protein sequence. Algorithms developed to predict the effect of missense changes on protein structure and function are either unavailable or do not agree on the potential impact of this missense change. The variant allele was found at a frequency of 4.4e-05 in 1605782 control chromosomes in the gnomAD database, including 1 homozygote. This frequency is not significantly higher than estimated for disease-causing variants in CHST6, allowing no conclusion about variant significance. c.500C>T has been observed in at least one individual affected with Macular Corneal Dystrophy (Sultana_2005, Sultana_2009), however the variant was reported in complex (i.e. in cis) with another CHST6 variant. These report(s) do not provide unequivocal conclusions about association of the variant with Macular Corneal Dystrophy. To our knowledge, no experimental evidence demonstrating an impact on protein function has been reported. The following publications have been ascertained in the context of this evaluation (PMID: 16207214, 19337156, 19204788). ClinVar contains an entry for this variant (Variation ID: 1002002). Based on the evidence outlined above, the variant was classified as uncertain significance.

Labcorp Genetics (formerly Invitae), Labcorp
Classification: Uncertain significance for Macular corneal dystrophy. Last evaluated: 2021-08-27. Review status: criteria provided, single submitter. Criteria: Invitae Variant Classification Sherloc (09022015). Collection method: clinical testing. Allele origin: germline.
Comment: This sequence change replaces serine with phenylalanine at codon 167 of the CHST6 protein (p.Ser167Phe). The serine residue is moderately conserved and there is a large physicochemical difference between serine and phenylalanine. This variant is present in population databases (rs756399261, ExAC 0.03%). This missense change has been observed in individual(s) with macular corneal dystrophy (PMID: 16207214, 19204788). Algorithms developed to predict the effect of missense changes on protein structure and function are either unavailable or do not agree on the potential impact of this missense change (SIFT: "Deleterious"; PolyPhen-2: "Possibly Damaging"; Align-GVGD: "Class C0"). In summary, the available evidence is currently insufficient to determine the role of this variant in disease. Therefore, it has been classified as a Variant of Uncertain Significance.

Literature cited by the submitters: PubMed 19337156 (cited by Women's Health and Genetics/Laboratory Corporation of America, LabCorp); PubMed 16207214 (cited by Women's Health and Genetics/Laboratory Corporation of America, LabCorp and Labcorp Genetics (formerly Invitae), Labcorp); PubMed 19204788 (cited by Women's Health and Genetics/Laboratory Corporation of America, LabCorp and Labcorp Genetics (formerly Invitae), Labcorp).

NM_021615.5(CHST6):c.500C>T (p.Ser167Phe)

Gene: CHST6 (carbohydrate sulfotransferase 6; minus strand). Cytogenetic location: 16q23.1.
Variant type: single nucleotide variant.
Coding change: c.500C>T on transcript NM_021615.5 (MANE Select); coding-DNA position 500, C replaced by T.
Protein change: p.Ser167Phe; replaces serine 167 with phenylalanine.
Molecular consequence: missense variant.
Genome position (GRCh38, 1-based): chr16:75,479,329, G>A on the plus strand (C>T on the coding strand, the complement: CHST6 is on the minus strand). VCF-style: chr16-75479329-G-A. GRCh37 (hg19) VCF-style: chr16-75513227-G-A.
Other names: short protein forms S167F.
Identifiers: ClinVar variation 1002002 (VCV001002002.7), dbSNP rs756399261, ClinGen allele CA8175480.